The following is an entry in ClinVar:

ClinVar aggregate classification (germline): Uncertain significance (1 of 4 stars; one submission).

Conditions:
Combined immunodeficiency due to DOCK8 deficiency (HIES2). Also called: HIES autosomal recessive; Hyper-IgE recurrent infection syndrome, autosomal recessive; DOCK8 Deficiency; HYPER-IgE RECURRENT INFECTION SYNDROME 2, AUTOSOMAL RECESSIVE; HYPER-IgE SYNDROME 2, AUTOSOMAL RECESSIVE, WITH RECURRENT INFECTIONS. Identifiers: Orphanet 217390, MedGen C4722305, MONDO:0009478, OMIM 243700.

Allele frequency attached by ClinVar (database versions not stated): gnomAD 0.00001 and 0.00002; TOPMed 0.00001.
gnomAD v4.1: 2 of 1,614,112 alleles (0.00012%); highest among the groups gnomAD compares: African/African-American, 0.0027%; no homozygotes.

Submission:

Labcorp Genetics (formerly Invitae), Labcorp
Classification: Uncertain significance for Combined immunodeficiency due to DOCK8 deficiency. Last evaluated: 2025-04-07. Review status: criteria provided, single submitter. Criteria: Invitae Variant Classification Sherloc (09022015). Collection method: clinical testing. Allele origin: germline.
Comment: This sequence change replaces aspartic acid, which is acidic and polar, with glutamic acid, which is acidic and polar, at codon 1236 of the DOCK8 protein (p.Asp1236Glu). This variant is present in population databases (no rsID available, gnomAD 0.01%). This variant has not been reported in the literature in individuals affected with DOCK8-related conditions. ClinVar contains an entry for this variant (Variation ID: 1362381). Invitae Evidence Modeling of protein sequence and biophysical properties (such as structural, functional, and spatial information, amino acid conservation, physicochemical variation, residue mobility, and thermodynamic stability) indicates that this missense variant is not expected to disrupt DOCK8 protein function with a negative predictive value of 80%. In summary, the available evidence is currently insufficient to determine the role of this variant in disease. Therefore, it has been classified as a Variant of Uncertain Significance.

NM_203447.4(DOCK8):c.3708T>A (p.Asp1236Glu)

Gene: DOCK8 (dedicator of cytokinesis 8; plus strand). Cytogenetic location: 9p24.3.
Variant type: single nucleotide variant.
Coding change: c.3708T>A on transcript NM_203447.4 (MANE Select); coding-DNA position 3708, T replaced by A.
Protein change: p.Asp1236Glu; replaces aspartic acid 1236 with glutamic acid.
Molecular consequence: missense variant.
Genome position (GRCh38, 1-based): chr9:418,075, T>A. VCF-style: chr9-418075-T-A. GRCh37 (hg19) VCF-style: chr9-418075-T-A.
Other names: c.3408T>A, p.Asp1136Glu (NM_001190458.2); c.3504T>A, p.Asp1168Glu (NM_001193536.2); short protein forms D1168E, D1236E, D1136E.
Identifiers: ClinVar variation 1362381 (VCV001362381.8), dbSNP rs1439477618, ClinGen allele CA372761947.
Genomic context (GRCh38, chr9:418,075, plus strand): 5'-CATGGGGAAATGTCATGTTTGACTTGACATCACAAACGATGTTTTCATTGCAGTTGCAGA[T>A]ACTCGCAGATACCGCACCAGTGGCTCGGATGAAGAACAAGAAGGAGCCGGTGCCATTAAC-3'
Protein context (NP_982272.2, residues 1226-1246): LPQLCDFTVA[Asp1236Glu]TRRYRTSGSD